The following is an entry in ClinVar:

NM_000540.3(RYR1):c.3272T>A (p.Phe1091Tyr)

Gene: RYR1 (ryanodine receptor 1; plus strand). Cytogenetic location: 19q13.2.
Variant type: single nucleotide variant.
Coding change: c.3272T>A on transcript NM_000540.3 (MANE Select); coding-DNA position 3272, T replaced by A.
Protein change: p.Phe1091Tyr; replaces phenylalanine 1091 with tyrosine.
Molecular consequence: missense variant.
Genome position (GRCh38, 1-based): chr19:38,467,703, T>A. VCF-style: chr19-38467703-T-A. GRCh37 (hg19) VCF-style: chr19-38958343-T-A.
Other names: c.3272T>A, p.Phe1091Tyr (NM_001042723.2); short protein forms F1091Y.
Identifiers: ClinVar variation 4764323 (VCV004764323.1).

ClinVar aggregate classification (germline): Uncertain significance (1 of 4 stars; one submission).

Conditions:
RYR1-related disorder. Also called: RYR1-related condition; RYR1-related disorders. Identifiers: MedGen CN239331.

Submission:

Labcorp Genetics (formerly Invitae), Labcorp
Classification: Uncertain significance for RYR1-related disorder. Last evaluated: 2025-06-13. Review status: criteria provided, single submitter. Criteria: Invitae Variant Classification Sherloc (09022015). Collection method: clinical testing. Allele origin: germline.
Comment: This sequence change replaces phenylalanine, which is neutral and non-polar, with tyrosine, which is neutral and polar, at codon 1091 of the RYR1 protein (p.Phe1091Tyr). This variant is not present in population databases (gnomAD no frequency). This variant has not been reported in the literature in individuals affected with RYR1-related conditions. Invitae Evidence Modeling of protein sequence and biophysical properties (such as structural, functional, and spatial information, amino acid conservation, physicochemical variation, residue mobility, and thermodynamic stability) has been performed for this missense variant. However, the output from this modeling did not meet the statistical confidence thresholds required to predict the impact of this variant on RYR1 protein function. In summary, the available evidence is currently insufficient to determine the role of this variant in disease. Therefore, it has been classified as a Variant of Uncertain Significance.